The following is an entry in ClinVar:

ClinVar aggregate classification (germline): Uncertain significance. Review status: criteria provided, multiple submitters, no conflicts (2 of 4 stars). 2 submissions from 2 submitters: Uncertain significance (2). Last evaluated 2025-05-07.

Conditions:
Inborn genetic diseases. Identifiers: MedGen C0950123, MeSH D030342.
Idiopathic generalized epilepsy. Also called: EIG; Generalised epilepsy. Identifiers: MedGen C0270850, MONDO:0005579, OMIM 600669.

Allele frequency attached by ClinVar (database versions not stated): TOPMed 0.00002; ExAC 0.00003; 1000 Genomes Project 0.00020; gnomAD 0.00001; ESP Exome Variant Server 0.00008; 1000 Genomes Project 30x 0.00031; gnomAD exomes 0.00001.
gnomAD v4.1: 18 of 1,611,796 alleles (0.0011%); highest among the groups gnomAD compares: Middle Eastern, 0.1%; no homozygotes.

Submissions (2):

Labcorp Genetics (formerly Invitae), Labcorp
Classification: Uncertain significance for Idiopathic generalized epilepsy. Last evaluated: 2025-05-07. Review status: criteria provided, single submitter. Criteria: Invitae Variant Classification Sherloc (09022015). Collection method: clinical testing. Allele origin: germline.
Comment: This sequence change replaces threonine, which is neutral and polar, with alanine, which is neutral and non-polar, at codon 222 of the GABRD protein (p.Thr222Ala). This variant is present in population databases (rs146853417, gnomAD 0.009%). This variant has not been reported in the literature in individuals affected with GABRD-related conditions. ClinVar contains an entry for this variant (Variation ID: 2730250). An algorithm developed to predict the effect of missense changes on protein structure and function outputs the following: PolyPhen-2: "Benign". The alanine amino acid residue is found in multiple mammalian species, which suggests that this missense change does not adversely affect protein function. In summary, the available evidence is currently insufficient to determine the role of this variant in disease. Therefore, it has been classified as a Variant of Uncertain Significance.

Ambry Genetics
Classification: Uncertain significance for Inborn genetic diseases. Last evaluated: 2024-08-14. Review status: criteria provided, single submitter. Criteria: Ambry Variant Classification Scheme 2023. Collection method: clinical testing. Allele origin: germline.

NM_000815.5(GABRD):c.664A>G (p.Thr222Ala)

Gene: GABRD (gamma-aminobutyric acid type A receptor subunit delta; plus strand). Cytogenetic location: 1p36.33.
Variant type: single nucleotide variant.
Coding change: c.664A>G on transcript NM_000815.5 (MANE Select); coding-DNA position 664, A replaced by G.
Protein change: p.Thr222Ala; replaces threonine 222 with alanine.
Molecular consequence: missense variant.
Genome position (GRCh38, 1-based): chr1:2,028,265, A>G. VCF-style: chr1-2028265-A-G. GRCh37 (hg19) VCF-style: chr1-1959704-A-G.
Other names: c.664A>G (NM_000815.4); short protein forms T222A.
Identifiers: ClinVar variation 2730250 (VCV002730250.4), dbSNP rs146853417, ClinGen allele CA534735.